The following is an entry in ClinVar:

ClinVar aggregate classification (germline): Benign/Likely benign. Review status: criteria provided, multiple submitters, no conflicts (2 of 4 stars). 5 submissions from 5 submitters: Benign (4); Likely benign (1). Last evaluated 2026-02-01.

Allele frequency attached by ClinVar (database versions not stated): 1000 Genomes Project 30x 0.03201; 1000 Genomes Project 0.03275; TOPMed 0.05574; ESP Exome Variant Server 0.05645; gnomAD 0.06001 and 0.06057; gnomAD exomes 0.06353 and 0.07768; ExAC 0.06474.
gnomAD v4.1: 122,126 of 1,613,164 alleles (7.6%); highest among the groups gnomAD compares: Non-Finnish European, 8.7%; 5,118 homozygotes.

Submissions (5):

Labcorp Genetics (formerly Invitae), Labcorp
Classification: Benign. Last evaluated: 2026-02-01. Review status: criteria provided, single submitter. Criteria: Invitae Variant Classification Sherloc (09022015). Collection method: clinical testing. Allele origin: germline.

ARUP Laboratories, Molecular Genetics and Genomics, ARUP Laboratories
Classification: Benign. Last evaluated: 2025-07-31. Review status: criteria provided, single submitter. Criteria: ARUP Molecular Germline Variant Investigation Process 2024. Collection method: clinical testing. Allele origin: germline.

Mayo Clinic Laboratories, Mayo Clinic
Classification: Benign. Last evaluated: 2022-05-16. Review status: criteria provided, single submitter. Criteria: ACMG Guidelines, 2015. Collection method: clinical testing. Allele origin: germline. Observed: 305 variant alleles.
Comment: BA1, BP4, BP7

Breakthrough Genomics
Classification: Likely benign. Review status: criteria provided, single submitter. Criteria: ACMG Guidelines, 2015. Collection method: not provided. Allele origin: germline. Inheritance: Autosomal dominant inheritance. Affected: yes.

PreventionGenetics, part of Exact Sciences
Classification: Benign. Review status: criteria provided, single submitter. Criteria: ACMG Guidelines, 2015. Collection method: clinical testing. Allele origin: germline.

NM_001355436.2(SPTB):c.4003-12T>C

Gene: SPTB (spectrin beta, erythrocytic; minus strand). Cytogenetic location: 14q23.3.
Variant type: single nucleotide variant.
Coding change: c.4003-12T>C on transcript NM_001355436.2 (MANE Select); 12 bases into the intron before coding-DNA position 4003, T replaced by C.
Molecular consequence: intron variant.
Genome position (GRCh38, 1-based): chr14:64,782,565, A>G on the plus strand (T>C on the coding strand, the complement: SPTB is on the minus strand). VCF-style: chr14-64782565-A-G. GRCh37 (hg19) VCF-style: chr14-65249283-A-G.
Other names: p.?; c.4003-12T>C (NM_001024858.4, NM_001355437.2).
Identifiers: ClinVar variation 257110 (VCV000257110.30), dbSNP rs78707026, ClinGen allele CA7230419.
Genomic context (GRCh38, chr14:64,782,565, plus strand): 5'-ACACCAGGGCTGTAAACTGGGGCTTCTCATCCATCAGCTGCTTTCCTTCCTAGGGGCAAG[A>G]AGGAGGAGAGCTCACATTCTGGGCTGACTGGGCCTTGGATCAGCCCTGCTCCTGATGGTT-3'